The following is an entry in ClinVar:

NM_030665.4(RAI1):c.3063C>T (p.Pro1021=)

Gene: RAI1 (retinoic acid induced 1; plus strand). Cytogenetic location: 17p11.2.
Variant type: single nucleotide variant.
Coding change: c.3063C>T on transcript NM_030665.4 (MANE Select); coding-DNA position 3063, C replaced by T.
Protein change: p.Pro1021=; no amino-acid change (proline 1021 retained).
Molecular consequence: synonymous variant.
Genome position (GRCh38, 1-based): chr17:17,796,011, C>T. VCF-style: chr17-17796011-C-T. GRCh37 (hg19) VCF-style: chr17-17699325-C-T.
Other names: c.3063C>T (NM_030665.3).
Identifiers: ClinVar variation 2187134 (VCV002187134.5), dbSNP rs748188039, ClinGen allele CA8418662.

ClinVar aggregate classification (germline): Likely benign. Review status: criteria provided, single submitter (1 of 4 stars). 2 submissions from 2 submitters: Likely benign (1). 1 of the submissions does not count toward it. Last evaluated 2025-06-18.

Conditions:
RAI1-related disorder. Also called: RAI1-related condition.

Allele frequency attached by ClinVar (database versions not stated): gnomAD 0.00001; gnomAD exomes 0.00001; ExAC 0.00002; TOPMed 0.00003.
gnomAD v4.1: 22 of 1,596,252 alleles (0.0014%); highest among the groups gnomAD compares: Non-Finnish European, 0.0018%; no homozygotes.

Submissions (2):

Labcorp Genetics (formerly Invitae), Labcorp
Classification: Likely benign. Last evaluated: 2025-06-18. Review status: criteria provided, single submitter. Criteria: Invitae Variant Classification Sherloc (09022015). Collection method: clinical testing. Allele origin: germline.

PreventionGenetics, part of Exact Sciences
Classification: Likely benign for RAI1-related condition. Last evaluated: 2024-05-12. Review status: no assertion criteria provided. Collection method: clinical testing. Allele origin: germline. Not counted in ClinVar's aggregate classification.
Comment: This variant is classified as likely benign based on ACMG/AMP sequence variant interpretation guidelines (Richards et al. 2015 PMID: 25741868, with internal and published modifications).